The following is an entry in ClinVar:

ClinVar aggregate classification (germline): Pathogenic (1 of 4 stars; one submission).

Conditions:
Retinoblastoma (RB1). Also called: RETINOBLASTOMA, SOMATIC. Identifiers: Orphanet 790, MedGen C0035335, MeSH D012175, MONDO:0008380, OMIM 180200, HP:0009919. Disease mechanism: loss of function. Inheritance: Both sporadic and heritable forms are tested..

Submission:

Labcorp Genetics (formerly Invitae), Labcorp
Classification: Pathogenic for Retinoblastoma. Last evaluated: 2021-09-29. Review status: criteria provided, single submitter. Criteria: Invitae Variant Classification Sherloc (09022015). Collection method: clinical testing. Allele origin: germline.
Comment: For these reasons, this variant has been classified as Pathogenic. ClinVar contains an entry for this variant (Variation ID: 567591). This variant has not been reported in the literature in individuals affected with RB1-related conditions. The frequency data for this variant in the population databases is considered unreliable, as metrics indicate insufficient coverage at this position in the ExAC database. This sequence change creates a premature translational stop signal (p.Pro24Leufs*50) in the RB1 gene. It is expected to result in an absent or disrupted protein product. Loss-of-function variants in RB1 are known to be pathogenic (PMID: 17096365).

Literature cited by the submitters: PubMed 17096365.

NM_000321.3(RB1):c.45_70dup (p.Pro24fs)

Gene: RB1 (RB transcriptional corepressor 1; plus strand). Cytogenetic location: 13q14.2.
Variant type: Duplication.
Coding change: c.45_70dup on transcript NM_000321.3 (MANE Select); coding-DNA positions 45 to 70, 26 bases duplicated (TGCCGCCGCGGAACCCCCGGCACCGC).
Protein change: p.Pro24fs; shifts the reading frame from proline 24.
Molecular consequence: frameshift variant.
Genome position (GRCh38, 1-based): chr13:48,303,957-48,303,982, TGCCGCCGCGGAACCCCCGGCACCGC duplicated; duplicating any 26 consecutive bases within chr13:48,303,953-48,303,982 gives the same sequence; the c. name uses the placement nearest the transcript's 3' end. VCF-style (leftmost placement, unchanged base first): chr13-48303952-G-GCCGCTGCCGCCGCGGAACCCCCGGCA. GRCh37 (hg19) VCF-style: chr13-48878088-G-GCCGCTGCCGCCGCGGAACCCCCGGCA.
Other names: short protein forms P24fs.
Identifiers: ClinVar variation 567591 (VCV000567591.6), dbSNP rs1566174074, ClinGen allele CA891844034.